The following is an entry in ClinVar:

ClinVar aggregate classification (germline): Uncertain significance. Review status: criteria provided, multiple submitters, no conflicts (2 of 4 stars). 2 submissions from 2 submitters: Uncertain significance (2). Last evaluated 2024-10-09.

Conditions:
Baraitser-Winter syndrome 1 (BRWS1). Also called: BARAITSER-WINTER SYNDROME 1, ATYPICAL; PACHYGYRIA, MENTAL RETARDATION, EPILEPSY, AND CHARACTERISTIC FACIES; MENTAL RETARDATION WITH EPILEPSY AND CHARACTERISTIC FACIES; Cerebrofrontofacial syndrome. Identifiers: Orphanet 2649, Orphanet 2995, MedGen C1855722, MONDO:0009470, OMIM 243310.

Submissions (2):

Victorian Clinical Genetics Services, Murdoch Childrens Research Institute
Classification: Uncertain significance for Baraitser-Winter syndrome 1. Last evaluated: 2024-10-09. Review status: criteria provided, single submitter. Criteria: ACMG Guidelines, 2015. Collection method: clinical testing. Allele origin: germline. Inheritance: Autosomal dominant inheritance. Affected: yes.
Comment: Based on the classification scheme VCGS_Germline_v1.3.4, this variant is classified as VUS-3A. Following criteria are met: 0102 - Loss of function is a known mechanism of disease in this gene and is associated with thrombocytopenia 8, with dysmorphic features and developmental delay (MIM#620475). However, gain of function, dominant negative and loss of function are suggested mechanisms for variants associated with Baraitser-Winter syndrome (MIM#243310; PMID: 29220674). The mechanism of dystonia-deafness syndrome 1 (MIM#607371), caused by the recurring p.(Arg183Trp) variant, is unclear but gain of function has been suggested (PMID: 25255767). (I) 0107 - This gene is associated with autosomal dominant disease. (I) 0115 - Variants in this gene are known to have variable expressivity. High clinical variability has been observed between individuals with Baraitser-Winter syndrome who harbour the same variant (PMID: 26583190, 30315159). (I) 0200 - Variant is predicted to result in a missense amino acid change from aspartic acid to valine. (I) 0251 - This variant is heterozygous. (I) 0301 - Variant is absent from gnomAD (both v2 and v3). (SP) 0501 - Missense variant consistently predicted to be damaging by multiple in silico tools or highly conserved with a major amino acid change. (SP) 0603 - Missense variant in a region that is highly intolerant to missense variation (high constraint region in DECIPHER). (SP) 0704 - Another missense variant comparable to the one identified in this case has limited previous evidence for pathogenicity. p.(Asp2Tyr) has been observed as de novo in an individual with Baraitser-Winter syndrome and classified as likely pathogenic (PMID: 33619735, ClinVar). (SP) 0807 - This variant has no previous evidence of pathogenicity. (I) 0905 - No published segregation evidence has been identified for this variant. (I) 1007 - No published functional evidence has been identified for this variant. (I) 1208 - Inheritance information for this variant is not currently available in this individual. (I) Legend: (SP) - Supporting pathogenic, (I) - Information, (SB) - Supporting benign

GeneDx
Classification: Uncertain significance. Last evaluated: 2023-07-07. Review status: criteria provided, single submitter. Criteria: GeneDx Variant Classification Process June 2021. Collection method: clinical testing. Allele origin: germline. Affected: yes.
Comment: Not observed at significant frequency in large population cohorts (gnomAD); Missense variants in this gene are often considered pathogenic (HGMD); In silico analysis supports that this missense variant has a deleterious effect on protein structure/function; Has not been previously published as pathogenic or benign to our knowledge

Literature cited by the submitters: PubMed 25255767 (cited by Victorian Clinical Genetics Services, Murdoch Childrens Research Institute); PubMed 26583190 (cited by Victorian Clinical Genetics Services, Murdoch Childrens Research Institute); PubMed 29220674 (cited by Victorian Clinical Genetics Services, Murdoch Childrens Research Institute); PubMed 30315159 (cited by Victorian Clinical Genetics Services, Murdoch Childrens Research Institute); PubMed 33619735 (cited by Victorian Clinical Genetics Services, Murdoch Childrens Research Institute).

NM_001101.5(ACTB):c.5A>T (p.Asp2Val)

Gene: ACTB (actin beta; minus strand). Cytogenetic location: 7p22.1.
Variant type: single nucleotide variant.
Coding change: c.5A>T on transcript NM_001101.5 (MANE Select); coding-DNA position 5, A replaced by T.
Protein change: p.Asp2Val; replaces aspartic acid 2 with valine.
Molecular consequence: missense variant.
Genome position (GRCh38, 1-based): chr7:5,529,653, T>A on the plus strand (A>T on the coding strand, the complement: ACTB is on the minus strand). VCF-style: chr7-5529653-T-A. GRCh37 (hg19) VCF-style: chr7-5569284-T-A.
Other names: short protein forms D2V.
Identifiers: ClinVar variation 3360918 (VCV003360918.2).
Genomic context (GRCh38, chr7:5,529,653, plus strand): 5'-GCGAAGCCGGCCTTGCACATGCCGGAGCCGTTGTCGACGACGAGCGCGGCGATATCATCA[T>A]CCATGGTGAGCTGCGAGAATAGCCGGGCGCGCTGTGAGCCGAGGTCGCCCCCGCCCTGGC-3'
Protein context (NP_001092.1, residues 1-12): M[Asp2Val]DDIAALVVDN